The following is an entry in ClinVar:

ClinVar aggregate classification (germline): Uncertain significance (1 of 4 stars; one submission).

Conditions:
Meckel-Gruber syndrome. Also called: DYSENCEPHALIA SPLANCHNOCYSTICA; GRUBER SYNDROME; Dysencephalia splachnocystica. Identifiers: Orphanet 564, MedGen C0265215, MONDO:0018921.
Joubert syndrome. Also called: CEREBELLOPARENCHYMAL DISORDER IV; JOUBERT-BOLTSHAUSER SYNDROME; Familial aplasia of the vermis. Identifiers: Orphanet 475, MedGen C5979921, MONDO:0018772.

Submission:

Labcorp Genetics (formerly Invitae), Labcorp
Classification: Uncertain significance for Joubert syndrome; Meckel-Gruber syndrome. Last evaluated: 2022-08-13. Review status: criteria provided, single submitter. Criteria: Invitae Variant Classification Sherloc (09022015). Collection method: clinical testing. Allele origin: germline.
Comment: In summary, the available evidence is currently insufficient to determine the role of this variant in disease. Therefore, it has been classified as a Variant of Uncertain Significance. Algorithms developed to predict the effect of missense changes on protein structure and function output the following: SIFT: "Tolerated"; PolyPhen-2: "Benign"; Align-GVGD: "Class C0". The tyrosine amino acid residue is found in multiple mammalian species, which suggests that this missense change does not adversely affect protein function. This variant has not been reported in the literature in individuals affected with TCTN2-related conditions. This variant is not present in population databases (gnomAD no frequency). This sequence change replaces aspartic acid, which is acidic and polar, with tyrosine, which is neutral and polar, at codon 268 of the TCTN2 protein (p.Asp268Tyr).

NM_024809.5(TCTN2):c.802G>T (p.Asp268Tyr)

Gene: TCTN2 (tectonic family member 2; plus strand). Cytogenetic location: 12q24.31.
Variant type: single nucleotide variant.
Coding change: c.802G>T on transcript NM_024809.5 (MANE Select); coding-DNA position 802, G replaced by T.
Protein change: p.Asp268Tyr; replaces aspartic acid 268 with tyrosine.
Molecular consequence: missense variant.
Genome position (GRCh38, 1-based): chr12:123,688,088, G>T. VCF-style: chr12-123688088-G-T. GRCh37 (hg19) VCF-style: chr12-124172635-G-T.
Other names: c.799G>T, p.Asp267Tyr (NM_001143850.3); c.802G>T, p.Asp268Tyr (NM_001410989.1); short protein forms D267Y, D268Y.
Identifiers: ClinVar variation 1716332 (VCV001716332.6), dbSNP rs2541775593, ClinGen allele CA387137507.